The following is an entry in ClinVar:

ClinVar aggregate classification (germline): Uncertain significance (1 of 4 stars; one submission).

Allele frequency attached by ClinVar (database versions not stated): TOPMed below 0.00001; gnomAD exomes 0.00001.
gnomAD v4.1: 12 of 1,259,558 alleles (0.00095%); highest among the groups gnomAD compares: African/African-American, 0.0015%; no homozygotes.

Submission:

Ambry Genetics
Classification: Uncertain significance. Last evaluated: 2022-12-04. Review status: criteria provided, single submitter. Criteria: Ambry Variant Classification Scheme 2023. Collection method: clinical testing. Allele origin: germline.
Comment: The p.I166M variant (also known as c.498A>G), located in coding exon 5 of the PRKDC gene, results from an A to G substitution at nucleotide position 498. The isoleucine at codon 166 is replaced by methionine, an amino acid with highly similar properties. This amino acid position is conserved. In addition, this alteration is predicted to be tolerated by in silico analysis. Since supporting evidence is limited at this time, the clinical significance of this alteration remains unclear.

NM_006904.7(PRKDC):c.498A>G (p.Ile166Met)

Gene: PRKDC (protein kinase, DNA-activated, catalytic subunit; minus strand). Cytogenetic location: 8q11.21.
Variant type: single nucleotide variant.
Coding change: c.498A>G on transcript NM_006904.7 (MANE Select); coding-DNA position 498, A replaced by G.
Protein change: p.Ile166Met; replaces isoleucine 166 with methionine.
Molecular consequence: missense variant.
Genome position (GRCh38, 1-based): chr8:47,954,348, T>C on the plus strand (A>G on the coding strand, the complement: PRKDC is on the minus strand). VCF-style: chr8-47954348-T-C. GRCh37 (hg19) VCF-style: chr8-48866908-T-C.
Other names: c.498A>G, p.Ile166Met (NM_001081640.2); short protein forms I166M.
Identifiers: ClinVar variation 2497414 (VCV002497414.2), dbSNP rs2090670188, ClinGen allele CA371139013.